The following is an entry in ClinVar:

NM_001042492.3(NF1):c.652A>G (p.Lys218Glu)

Gene: NF1 (neurofibromin 1; plus strand). Cytogenetic location: 17q11.2.
Variant type: single nucleotide variant.
Coding change: c.652A>G on transcript NM_001042492.3 (MANE Select); coding-DNA position 652, A replaced by G.
Protein change: p.Lys218Glu; replaces lysine 218 with glutamic acid.
Molecular consequence: missense variant.
Genome position (GRCh38, 1-based): chr17:31,181,487, A>G. VCF-style: chr17-31181487-A-G. GRCh37 (hg19) VCF-style: chr17-29508505-A-G.
Other names: c.652A>G, p.Lys218Glu (NM_000267.4, NM_001128147.3); short protein forms K218E.
Identifiers: ClinVar variation 3669271 (VCV003669271.2).

ClinVar aggregate classification (germline): Uncertain significance (1 of 4 stars; one submission).

Conditions:
Neurofibromatosis, type 1 (NF1). Also called: VON RECKLINGHAUSEN DISEASE; NEUROFIBROMATOSIS, TYPE I, SOMATIC; Neurofibromatosis, type I; Peripheral type neurofibromatosis. Identifiers: Orphanet 636, MedGen C0027831, MONDO:0018975, OMIM 162200. Disease mechanism: loss of function.

Submission:

Labcorp Genetics (formerly Invitae), Labcorp
Classification: Uncertain significance for Neurofibromatosis, type 1. Last evaluated: 2024-11-05. Review status: criteria provided, single submitter. Criteria: Invitae Variant Classification Sherloc (09022015). Collection method: clinical testing. Allele origin: germline.
Comment: This sequence change replaces lysine, which is basic and polar, with glutamic acid, which is acidic and polar, at codon 218 of the NF1 protein (p.Lys218Glu). This variant is not present in population databases (gnomAD no frequency). This variant has not been reported in the literature in individuals affected with NF1-related conditions. An algorithm developed to predict the effect of missense changes on protein structure and function (PolyPhen-2) suggests that this variant is likely to be disruptive. In summary, the available evidence is currently insufficient to determine the role of this variant in disease. Therefore, it has been classified as a Variant of Uncertain Significance.